The following is an entry in ClinVar:

ClinVar aggregate classification (germline): Uncertain significance (1 of 4 stars; one submission).

Submission:

Ambry Genetics
Classification: Uncertain significance. Last evaluated: 2026-06-16. Review status: criteria provided, single submitter. Criteria: Ambry Variant Classification Scheme 2023. Collection method: clinical testing. Allele origin: germline.
Comment: The p.Q307R variant (also known as c.920A>G), located in coding exon 7 of the RINT1 gene, results from an A to G substitution at nucleotide position 920. The glutamine at codon 307 is replaced by arginine, an amino acid with highly similar properties. This amino acid position is conserved. In addition, the in silico prediction for this alteration is inconclusive. Based on the available evidence, the clinical significance of this variant remains unclear.

NM_021930.6(RINT1):c.920A>G (p.Gln307Arg)

Gene: RINT1 (RAD50 interactor 1; plus strand). Cytogenetic location: 7q22.3.
Variant type: single nucleotide variant.
Coding change: c.920A>G on transcript NM_021930.6 (MANE Select); coding-DNA position 920, A replaced by G.
Protein change: p.Gln307Arg; replaces glutamine 307 with arginine.
Molecular consequence: missense variant. On other transcripts: 5 prime UTR variant (2), non-coding transcript variant (1), intron variant (1).
Genome position (GRCh38, 1-based): chr7:105,548,634, A>G. VCF-style: chr7-105548634-A-G. GRCh37 (hg19) VCF-style: chr7-105189081-A-G.
Other names: c.686A>G, p.Gln229Arg (NM_001346599.2); c.-100A>G (NM_001346600.2); c.-5A>G (NM_001346601.2); c.-27-1421A>G (NM_001346603.2); short protein forms Q307R, Q229R.
Identifiers: ClinVar variation 5028260 (VCV005028260.1).
Genomic context (GRCh38, chr7:105,548,634, plus strand): 5'-CAAAGCAACTCCCAGAAAAATACTCTCTTCCTGCCTCCCCTTCTGTCATCCTGCCCATCC[A>G]GGTTATGCTGACTCCTCTTCAGAAGAGGTTCAGGTATCACTTCAGAGGGAACCGGCAGAC-3'
Protein context (NP_068749.3, residues 297-317): PASPSVILPI[Gln307Arg]VMLTPLQKRF